The following is an entry in ClinVar:

NM_003238.6(TGFB2):c.71G>T (p.Cys24Phe)

Gene: TGFB2 (transforming growth factor beta 2; plus strand). Cytogenetic location: 1q41.
Variant type: single nucleotide variant.
Coding change: c.71G>T on transcript NM_003238.6 (MANE Select); coding-DNA position 71, G replaced by T.
Protein change: p.Cys24Phe; replaces cysteine 24 with phenylalanine.
Molecular consequence: missense variant. On other transcripts: non-coding transcript variant (2).
Genome position (GRCh38, 1-based): chr1:218,346,772, G>T. VCF-style: chr1-218346772-G-T. GRCh37 (hg19) VCF-style: chr1-218520114-G-T.
Other names: c.71G>T, p.Cys24Phe (NM_001135599.4); short protein forms C24F.
Identifiers: ClinVar variation 4865639 (VCV004865639.1).

ClinVar aggregate classification (germline): Uncertain significance (1 of 4 stars; one submission).

Conditions:
Familial thoracic aortic aneurysm and aortic dissection (TAAD). Also called: Thoracic aortic aneurysms and dissections. Identifiers: Orphanet 91387, MedGen C4707243, MONDO:0019625.

Submission:

Ambry Genetics
Classification: Uncertain significance for Familial thoracic aortic aneurysm and aortic dissection. Last evaluated: 2026-04-11. Review status: criteria provided, single submitter. Criteria: Ambry Variant Classification Scheme 2023. Collection method: clinical testing. Allele origin: germline.
Comment: The p.C24F variant (also known as c.71G>T), located in coding exon 1 of the TGFB2 gene, results from a G to T substitution at nucleotide position 71. The cysteine at codon 24 is replaced by phenylalanine, an amino acid with highly dissimilar properties. This amino acid position is conserved. In addition, this alteration is predicted to be deleterious by in silico analysis. Based on the available evidence, the clinical significance of this variant remains unclear.